The following is an entry in ClinVar:

ClinVar aggregate classification (germline): Benign/Likely benign. Review status: criteria provided, multiple submitters, no conflicts (2 of 4 stars). 8 submissions from 8 submitters: Benign (1); Likely benign (4). 3 of the submissions do not count toward it. Last evaluated 2026-02-01.

Conditions:
IL2RB-related disorder. Also called: IL2RB-related condition.

Allele frequency attached by ClinVar (database versions not stated): ESP Exome Variant Server 0.00038; gnomAD exomes 0.00100 and 0.00150; gnomAD 0.00116; TOPMed 0.00126; ExAC 0.00139; 1000 Genomes Project 30x 0.00156; 1000 Genomes Project 0.00180.
gnomAD v4.1: 1,735 of 1,614,108 alleles (0.11%); highest among the groups gnomAD compares: Middle Eastern, 1.9%; 13 homozygotes.

Submissions (8):

Labcorp Genetics (formerly Invitae), Labcorp
Classification: Likely benign. Last evaluated: 2026-02-01. Review status: criteria provided, single submitter. Criteria: Invitae Variant Classification Sherloc (09022015). Collection method: clinical testing. Allele origin: germline.

Mayo Clinic Laboratories, Mayo Clinic
Classification: Likely benign. Last evaluated: 2025-02-28. Review status: criteria provided, single submitter. Criteria: ACMG Guidelines, 2015. Collection method: clinical testing. Allele origin: germline. Observed: 6 variant alleles.
Comment: BS1, BP4, BP7

Blueprint Genetics
Classification: Likely benign. Last evaluated: 2024-11-28. Review status: criteria provided, single submitter. Criteria: ACMG Guidelines, 2015. Collection method: clinical testing. Allele origin: germline.

CeGaT Center for Human Genetics Tuebingen
Classification: Benign. Last evaluated: 2022-06-01. Review status: criteria provided, single submitter. Criteria: CeGaT Center For Human Genetics Tuebingen Variant Classification Criteria Version 2. Collection method: clinical testing. Allele origin: germline. Affected: yes. Observed: 3 variant alleles.
Comment: IL2RB: BP4, BS1, BS2

Breakthrough Genomics
Classification: Likely benign. Review status: criteria provided, single submitter. Criteria: ACMG Guidelines, 2015. Collection method: not provided. Allele origin: germline. Inheritance: Autosomal recessive inheritance. Affected: yes.

PreventionGenetics, part of Exact Sciences
Classification: Benign for IL2RB-related condition. Last evaluated: 2019-11-04. Review status: no assertion criteria provided. Collection method: clinical testing. Allele origin: germline. Not counted in ClinVar's aggregate classification.
Comment: This variant is classified as benign based on ACMG/AMP sequence variant interpretation guidelines (Richards et al. 2015 PMID: 25741868, with internal and published modifications).

Clinical Genetics DNA and cytogenetics Diagnostics Lab, Erasmus MC, Erasmus Medical Center
Classification: Likely benign. Review status: no assertion criteria provided. Collection method: clinical testing. Allele origin: germline. Affected: yes. Study: VKGL Data-share Consensus. Not counted in ClinVar's aggregate classification.

Genome Diagnostics Laboratory, University Medical Center Utrecht
Classification: Likely benign. Review status: no assertion criteria provided. Collection method: clinical testing. Allele origin: germline. Affected: yes. Study: VKGL Data-share Consensus. Not counted in ClinVar's aggregate classification.

NM_000878.5(IL2RB):c.126C>T (p.Ala42=)

Gene: IL2RB (interleukin 2 receptor subunit beta; minus strand). Cytogenetic location: 22q12.3.
Variant type: single nucleotide variant.
Coding change: c.126C>T on transcript NM_000878.5 (MANE Select); coding-DNA position 126, C replaced by T.
Protein change: p.Ala42=; no amino-acid change (alanine 42 retained).
Molecular consequence: synonymous variant.
Genome position (GRCh38, 1-based): chr22:37,143,598, G>A on the plus strand (C>T on the coding strand, the complement: IL2RB is on the minus strand). VCF-style: chr22-37143598-G-A. GRCh37 (hg19) VCF-style: chr22-37539638-G-A.
Other names: p.Ala42=; c.126C>T, p.Ala42= (NM_001346222.1, NM_001346223.2); c.126C>T (NM_000878.4).
Identifiers: ClinVar variation 871832 (VCV000871832.53), dbSNP rs148800183, ClinGen allele CA10216740.
Genomic context (GRCh38, chr22:37,143,598, plus strand): 5'-ATGGACTTGGCAGGAAGTGTCCTGCAGAGCCCCATCTTGGCTCCAGACACAGGAGATGTT[G>A]GCTCTCGAGTTGTAGAAGCATGTGAACTGGGAAGTGCCTGCCGGGCAAGATGAGGTGTGA-3'
Protein context (NP_000869.1, residues 32-52): SQFTCFYNSR[Ala42=]NISCVWSQDG